The following is an entry in ClinVar:

NM_138713.4(NFAT5):c.4051G>A (p.Val1351Ile)

Gene: NFAT5 (nuclear factor of activated T cells 5; plus strand). Cytogenetic location: 16q22.1.
Variant type: single nucleotide variant.
Coding change: c.4051G>A on transcript NM_138713.4 (MANE Select); coding-DNA position 4051, G replaced by A.
Protein change: p.Val1351Ile; replaces valine 1351 with isoleucine.
Molecular consequence: missense variant.
Genome position (GRCh38, 1-based): chr16:69,693,876, G>A. VCF-style: chr16-69693876-G-A. GRCh37 (hg19) VCF-style: chr16-69727779-G-A.
Other names: c.4048G>A, p.Val1350Ile (NM_001113178.3); c.3376G>A, p.Val1126Ile (NM_001367709.1); c.3997G>A, p.Val1333Ile (NM_006599.4); c.3769G>A, p.Val1257Ile (NM_138714.4, NM_173214.3, NM_173215.3); short protein forms V1126I, V1257I, V1333I, V1351I, V1350I.
Identifiers: ClinVar variation 1395249 (VCV001395249.8), dbSNP rs2037660998, ClinGen allele CA396514818.

ClinVar aggregate classification (germline): Uncertain significance (1 of 4 stars; one submission).

Conditions:
Immunodeficiency. Identifiers: MedGen C0021051, MONDO:0021094, HP:0002721.

Allele frequency attached by ClinVar (database versions not stated): TOPMed 0.00001; gnomAD exomes below 0.00001; gnomAD 0.00001.
gnomAD v4.1: 2 of 1,614,056 alleles (0.00012%); highest among the groups gnomAD compares: Non-Finnish European, 0.00017%; no homozygotes.

Submission:

Labcorp Genetics (formerly Invitae), Labcorp
Classification: Uncertain significance for Immunodeficiency. Last evaluated: 2020-12-04. Review status: criteria provided, single submitter. Criteria: Invitae Variant Classification Sherloc (09022015). Collection method: clinical testing. Allele origin: germline.
Comment: In summary, the available evidence is currently insufficient to determine the role of this variant in disease. Therefore, it has been classified as a Variant of Uncertain Significance. This sequence change replaces valine with isoleucine at codon 1257 of the NFAT5 protein (p.Val1257Ile). The valine residue is moderately conserved and there is a small physicochemical difference between valine and isoleucine. This variant is not present in population databases (ExAC no frequency). This variant has not been reported in the literature in individuals with NFAT5-related conditions. Algorithms developed to predict the effect of missense changes on protein structure and function are either unavailable or do not agree on the potential impact of this missense change (SIFT: "Tolerated"; PolyPhen-2: "Possibly Damaging"; Align-GVGD: "Class C0").